The following is an entry in ClinVar:

NM_006231.4(POLE):c.2053C>G (p.Arg685Gly)

Gene: POLE (DNA polymerase epsilon, catalytic subunit; minus strand). Cytogenetic location: 12q24.33.
Variant type: single nucleotide variant.
Coding change: c.2053C>G on transcript NM_006231.4 (MANE Select); coding-DNA position 2053, C replaced by G.
Protein change: p.Arg685Gly; replaces arginine 685 with glycine.
Molecular consequence: missense variant.
Genome position (GRCh38, 1-based): chr12:132,668,476, G>C on the plus strand (C>G on the coding strand, the complement: POLE is on the minus strand). VCF-style: chr12-132668476-G-C. GRCh37 (hg19) VCF-style: chr12-133245062-G-C.
Other names: short protein forms R685G.
Identifiers: ClinVar variation 843803 (VCV000843803.9), dbSNP rs116326665, ClinGen allele CA387354339.

ClinVar aggregate classification (germline): Uncertain significance (1 of 4 stars; one submission).

Submission:

Labcorp Genetics (formerly Invitae), Labcorp
Classification: Uncertain significance. Last evaluated: 2019-01-20. Review status: criteria provided, single submitter. Criteria: Invitae Variant Classification Sherloc (09022015). Collection method: clinical testing. Allele origin: germline.
Comment: This sequence change replaces arginine with glycine at codon 685 of the POLE protein (p.Arg685Gly). The arginine residue is highly conserved and there is a moderate physicochemical difference between arginine and glycine. This variant is not present in population databases (ExAC no frequency). This variant has not been reported in the literature in individuals with POLE-related conditions. Algorithms developed to predict the effect of missense changes on protein structure and function are either unavailable or do not agree on the potential impact of this missense change (SIFT: "Deleterious"; PolyPhen-2: "Probably Damaging"; Align-GVGD: "Class C15"). In summary, the available evidence is currently insufficient to determine the role of this variant in disease. Therefore, it has been classified as a Variant of Uncertain Significance.